The following is an entry in ClinVar:

ClinVar aggregate classification (germline): Uncertain significance (1 of 4 stars; one submission).

gnomAD v4.1: 76 of 1,613,670 alleles (0.0047%); highest among the groups gnomAD compares: East Asian, 0.045%; no homozygotes.

Submission:

Labcorp Genetics (formerly Invitae), Labcorp
Classification: Uncertain significance. Last evaluated: 2023-01-01. Review status: criteria provided, single submitter. Criteria: Invitae Variant Classification Sherloc (09022015). Collection method: clinical testing. Allele origin: germline.
Comment: This sequence change replaces arginine, which is basic and polar, with glutamine, which is neutral and polar, at codon 474 of the CAMTA1 protein (p.Arg474Gln). This variant is present in population databases (rs145242440, gnomAD 0.04%), and has an allele count higher than expected for a pathogenic variant. This variant has not been reported in the literature in individuals affected with CAMTA1-related conditions. Algorithms developed to predict the effect of missense changes on protein structure and function are either unavailable or do not agree on the potential impact of this missense change (SIFT: "Tolerated"; PolyPhen-2: "Probably Damaging"; Align-GVGD: "Class C0"). In summary, the available evidence is currently insufficient to determine the role of this variant in disease. Therefore, it has been classified as a Variant of Uncertain Significance.

NM_015215.4(CAMTA1):c.1421G>A (p.Arg474Gln)

Gene: CAMTA1 (calmodulin binding transcription activator 1; plus strand). Cytogenetic location: 1p36.23.
Variant type: single nucleotide variant.
Coding change: c.1421G>A on transcript NM_015215.4 (MANE Select); coding-DNA position 1421, G replaced by A.
Protein change: p.Arg474Gln; replaces arginine 474 with glutamine.
Molecular consequence: missense variant.
Genome position (GRCh38, 1-based): chr1:7,663,968, G>A. VCF-style: chr1-7663968-G-A. GRCh37 (hg19) VCF-style: chr1-7724028-G-A.
Other names: c.1421G>A, p.Arg474Gln (NM_001349610.2, NM_001410737.1, NM_001349609.2); c.1331G>A, p.Arg444Gln (NM_001349612.2, NM_001349608.2); c.1349G>A, p.Arg450Gln (NM_001410738.1); short protein forms R450Q, R444Q, R474Q.
Identifiers: ClinVar variation 2969004 (VCV002969004.3), dbSNP rs145242440, ClinGen allele CA566443.